The following is an entry in ClinVar:

NM_001184.4(ATR):c.4267-10G>A

Gene: ATR (ATR checkpoint kinase; minus strand). Cytogenetic location: 3q23.
Variant type: single nucleotide variant.
Coding change: c.4267-10G>A on transcript NM_001184.4 (MANE Select); 10 bases into the intron before coding-DNA position 4267, G replaced by A.
Molecular consequence: intron variant.
Genome position (GRCh38, 1-based): chr3:142,519,794, C>T on the plus strand (G>A on the coding strand, the complement: ATR is on the minus strand). VCF-style: chr3-142519794-C-T. GRCh37 (hg19) VCF-style: chr3-142238636-C-T.
Other names: c.4075-10G>A (NM_001354579.2); c.4267-10G>A (NM_001184.3).
Identifiers: ClinVar variation 1595501 (VCV001595501.10), dbSNP rs370066757, ClinGen allele CA2649886.

ClinVar aggregate classification (germline): Likely benign. Review status: criteria provided, single submitter (1 of 4 stars). 2 submissions from 2 submitters: Likely benign (1). 1 of the submissions does not count toward it. Last evaluated 2025-08-27.

Conditions:
ATR-related disorder. Also called: ATR-related condition.

Allele frequency attached by ClinVar (database versions not stated): ExAC 0.00004; gnomAD exomes 0.00004; TOPMed 0.00013; ESP Exome Variant Server 0.00015; gnomAD 0.00015; 1000 Genomes Project 30x 0.00031; 1000 Genomes Project 0.00040.
gnomAD v4.1: 43 of 1,546,508 alleles (0.0028%); highest among the groups gnomAD compares: African/African-American, 0.052%; no homozygotes.

Submissions (2):

Labcorp Genetics (formerly Invitae), Labcorp
Classification: Likely benign. Last evaluated: 2025-08-27. Review status: criteria provided, single submitter. Criteria: Invitae Variant Classification Sherloc (09022015). Collection method: clinical testing. Allele origin: germline.

PreventionGenetics, part of Exact Sciences
Classification: Likely benign for ATR-related condition. Last evaluated: 2019-06-09. Review status: no assertion criteria provided. Collection method: clinical testing. Allele origin: germline. Not counted in ClinVar's aggregate classification.
Comment: This variant is classified as likely benign based on ACMG/AMP sequence variant interpretation guidelines (Richards et al. 2015 PMID: 25741868, with internal and published modifications).